The following is an entry in ClinVar:

ClinVar aggregate classification (germline): Uncertain significance (1 of 4 stars; one submission).

Submission:

Laboratory for Molecular Medicine, Mass General Brigham Personalized Medicine
Classification: Uncertain significance. Last evaluated: 2013-12-26. Review status: criteria provided, single submitter. Criteria: LMM Criteria. Collection method: clinical testing. Allele origin: germline. Observed: 1 variant allele.
Comment: The Val3800Ile variant in TTN has not been reported in individuals with cardiomy opathy or in large population studies. Computational analyses (biochemical amino acid properties, conservation, AlignGVGD, PolyPhen2, and SIFT) suggest that the Val13800Ile variant may not impact the protein, though this information is not predictive enough to rule out pathogenicity. Additional information is needed to fully assess its clinical significance.

NM_001267550.2(TTN):c.15130G>A (p.Val5044Ile)

Gene: TTN (titin; minus strand). Cytogenetic location: 2q31.2.
Variant type: single nucleotide variant.
Coding change: c.15130G>A on transcript NM_001267550.2 (MANE Select); coding-DNA position 15130, G replaced by A.
Protein change: p.Val5044Ile; replaces valine 5044 with isoleucine.
Molecular consequence: missense variant. On other transcripts: intron variant (3).
Genome position (GRCh38, 1-based): chr2:178,734,794, C>T on the plus strand (G>A on the coding strand, the complement: TTN is on the minus strand). VCF-style: chr2-178734794-C-T. GRCh37 (hg19) VCF-style: chr2-179599521-C-T.
Other names: c.11398G>A, p.Val3800Ile (NM_133378.4); c.14179G>A, p.Val4727Ile (NM_001256850.1); c.13282+3288G>A (NM_003319.4); c.13858+3288G>A (NM_133437.4); c.13657+3288G>A (NM_133432.3); short protein forms V3800I, V5044I, V4727I.
Identifiers: ClinVar variation 166220 (VCV000166220.5), dbSNP rs727503650, ClinGen allele CA178988.